The following is an entry in ClinVar:

ClinVar aggregate classification (germline): Likely benign. Review status: criteria provided, multiple submitters, no conflicts (2 of 4 stars). 2 submissions from 2 submitters: Likely benign (2). Last evaluated 2025-10-23.

Conditions:
Familial thoracic aortic aneurysm and aortic dissection (TAAD). Also called: Thoracic aortic aneurysms and dissections. Identifiers: Orphanet 91387, MedGen C4707243, MONDO:0019625.

Allele frequency attached by ClinVar (database versions not stated): gnomAD exomes below 0.00001 and 0.00001; TOPMed below 0.00001; ExAC 0.00001.
gnomAD v4.1: 9 of 1,612,628 alleles (0.00056%); highest among the groups gnomAD compares: Non-Finnish European, 0.00076%; no homozygotes.

Submissions (2):

Ambry Genetics
Classification: Likely benign for Familial thoracic aortic aneurysm and aortic dissection. Last evaluated: 2025-10-23. Review status: criteria provided, single submitter. Criteria: Ambry Variant Classification Scheme 2023. Collection method: clinical testing. Allele origin: germline.

GeneDx
Classification: Likely benign. Last evaluated: 2018-04-27. Review status: criteria provided, single submitter. Criteria: GeneDx Variant Classification (06012015). Collection method: clinical testing. Allele origin: germline. Affected: yes.
Comment: This variant is considered likely benign or benign based on one or more of the following criteria: it is a conservative change, it occurs at a poorly conserved position in the protein, it is predicted to be benign by multiple in silico algorithms, and/or has population frequency not consistent with disease.

NM_003036.4(SKI):c.1425G>A (p.Glu475=)

Gene: SKI (SKI proto-oncogene; plus strand). Cytogenetic location: 1p36.32.
Variant type: single nucleotide variant.
Coding change: c.1425G>A on transcript NM_003036.4 (MANE Select); coding-DNA position 1425, G replaced by A.
Protein change: p.Glu475=; no amino-acid change (glutamic acid 475 retained).
Molecular consequence: synonymous variant.
Genome position (GRCh38, 1-based): chr1:2,304,053, G>A. VCF-style: chr1-2304053-G-A. GRCh37 (hg19) VCF-style: chr1-2235492-G-A.
Identifiers: ClinVar variation 682311 (VCV000682311.2), dbSNP rs766659705, ClinGen allele CA536710.